The following is an entry in ClinVar:

NM_000521.4(HEXB):c.1630C>A (p.Gln544Lys)

Gene: HEXB (hexosaminidase subunit beta; plus strand). Cytogenetic location: 5q13.3.
Variant type: single nucleotide variant.
Coding change: c.1630C>A on transcript NM_000521.4 (MANE Select); coding-DNA position 1630, C replaced by A.
Protein change: p.Gln544Lys; replaces glutamine 544 with lysine.
Molecular consequence: missense variant.
Genome position (GRCh38, 1-based): chr5:74,721,134, C>A. VCF-style: chr5-74721134-C-A. GRCh37 (hg19) VCF-style: chr5-74016959-C-A.
Other names: c.955C>A, p.Gln319Lys (NM_001292004.2); short protein forms Q544K, Q319K.
Identifiers: ClinVar variation 423332 (VCV000423332.4), dbSNP rs766477016, ClinGen allele CA3306243.

ClinVar aggregate classification (germline): Uncertain significance. Review status: criteria provided, multiple submitters, no conflicts (2 of 4 stars). 2 submissions from 2 submitters: Uncertain significance (2). Last evaluated 2022-05-04.

Conditions:
Sandhoff disease. Also called: Beta-hexosaminidase-beta-subunit deficiency; GM2 gangliosidosis, type 2; Total hexosaminidase deficiency; Sandhoff-Jatzkewitz-Pilz disease; GM2-GANGLIOSIDOSIS, TYPE II; HEXOSAMINIDASES A AND B DEFICIENCY. Identifiers: Orphanet 796, MedGen C0036161, MONDO:0010006, OMIM 268800.

Allele frequency attached by ClinVar (database versions not stated): gnomAD exomes below 0.00001; ExAC 0.00001.
gnomAD v4.1: 1 of 1,612,840 alleles (0.000062%); highest among the groups gnomAD compares: Admixed American, 0.0017%; no homozygotes.

Submissions (2):

Labcorp Genetics (formerly Invitae), Labcorp
Classification: Uncertain significance for Sandhoff disease. Last evaluated: 2022-05-04. Review status: criteria provided, single submitter. Criteria: Invitae Variant Classification Sherloc (09022015). Collection method: clinical testing. Allele origin: germline.
Comment: This sequence change replaces glutamine, which is neutral and polar, with lysine, which is basic and polar, at codon 544 of the HEXB protein (p.Gln544Lys). This variant is present in population databases (rs766477016, gnomAD 0.003%). This variant has not been reported in the literature in individuals affected with HEXB-related conditions. ClinVar contains an entry for this variant (Variation ID: 423332). Advanced modeling of protein sequence and biophysical properties (such as structural, functional, and spatial information, amino acid conservation, physicochemical variation, residue mobility, and thermodynamic stability) performed at Invitae indicates that this missense variant is not expected to disrupt HEXB protein function. In summary, the available evidence is currently insufficient to determine the role of this variant in disease. Therefore, it has been classified as a Variant of Uncertain Significance.

GeneDx
Classification: Uncertain significance. Last evaluated: 2017-01-30. Review status: criteria provided, single submitter. Criteria: GeneDx Variant Classification (06012015). Collection method: clinical testing. Allele origin: germline. Affected: yes.
Comment: A variant of uncertain significance has been identified in the HEXB gene. The Q544K variant has not been published as a pathogenic variant, nor has it been reported as a benign variant to our knowledge. The Q544K variant was not observed in approximately 6500 individuals of European and African American ancestry in the NHLBI Exome Sequencing Project, indicating it is not a common benign variant in these populations. The Q544K variant is a semi-conservative amino acid substitution, which may impact secondary protein structure as these residues differ in some properties. This substitution occurs at a position that is not conserved. In silico analysis predicts this variant is probably damaging to the protein structure/function. Therefore, based on the currently available information, it is unclear whether this variant is a pathogenic variant or a rare benign variant.